The following is an entry in ClinVar:

NM_000245.4(MET):c.1989G>A (p.Ser663=)

Gene: MET (MET proto-oncogene, receptor tyrosine kinase; plus strand). Cytogenetic location: 7q31.2.
Variant type: single nucleotide variant.
Coding change: c.1989G>A on transcript NM_000245.4 (MANE Select); coding-DNA position 1989, G replaced by A.
Protein change: p.Ser663=; no amino-acid change (serine 663 retained).
Molecular consequence: synonymous variant.
Genome position (GRCh38, 1-based): chr7:116,757,661, G>A. VCF-style: chr7-116757661-G-A. GRCh37 (hg19) VCF-style: chr7-116397715-G-A.
Other names: c.1989G>A, p.Ser663= (NM_001127500.3, NM_001324401.3); c.699G>A, p.Ser233= (NM_001324402.2).
Identifiers: ClinVar variation 246624 (VCV000246624.42), dbSNP rs201180585, ClinGen allele CA4448352.

ClinVar aggregate classification (germline): Benign/Likely benign. Review status: criteria provided, multiple submitters, no conflicts (2 of 4 stars). 5 submissions from 5 submitters: Benign (1); Likely benign (4). Last evaluated 2025-12-15.

Conditions:
Renal cell carcinoma. Identifiers: Orphanet 217071, MedGen C0007134, MeSH D002292, MONDO:0005086, HP:0005584.
Hereditary cancer-predisposing syndrome. Also called: Tumor predisposition; Hereditary Cancer Syndrome; Neoplastic Syndromes, Hereditary; Hereditary neoplastic syndrome. Identifiers: Orphanet 140162, MedGen C0027672, MeSH D009386, MONDO:0015356.
Papillary renal cell carcinoma type 1 (RCCP1). Also called: RENAL CELL CARCINOMA, PAPILLARY, 1, SOMATIC; Renal adenocarcinoma; Renal cell carcinoma 1; Renal cell carcinoma, somatic. Identifiers: Orphanet 47044, MedGen C1336839, OMIM 605074, HP:0011797.

Allele frequency attached by ClinVar (database versions not stated): ExAC 0.00004; TOPMed 0.00005; gnomAD 0.00007; ESP Exome Variant Server 0.00008.
gnomAD v4.1: 48 of 1,613,660 alleles (0.003%); highest among the groups gnomAD compares: African/African-American, 0.021%; no homozygotes.

Submissions (5):

Labcorp Genetics (formerly Invitae), Labcorp
Classification: Likely benign for Renal cell carcinoma. Last evaluated: 2025-12-15. Review status: criteria provided, single submitter. Criteria: Invitae Variant Classification Sherloc (09022015). Collection method: clinical testing. Allele origin: germline.

Myriad Genetics, Inc.
Classification: Benign for Papillary renal cell carcinoma type 1. Last evaluated: 2024-11-08. Review status: criteria provided, single submitter. Criteria: Myriad Autosomal Dominant, Autosomal Recessive and X-Linked Classification Criteria (2023). Collection method: clinical testing. Allele origin: unknown.
Comment: This variant is considered benign. This variant is a silent/synonymous amino acid change and it is not expected to impact splicing.

CeGaT Center for Human Genetics Tuebingen
Classification: Likely benign. Last evaluated: 2022-07-01. Review status: criteria provided, single submitter. Criteria: CeGaT Center For Human Genetics Tuebingen Variant Classification Criteria Version 2. Collection method: clinical testing. Allele origin: germline. Affected: yes. Observed: 2 variant alleles.
Comment: MET: BP4, BP7

Sema4
Classification: Likely benign for Hereditary cancer-predisposing syndrome. Last evaluated: 2022-01-25. Review status: criteria provided, single submitter. Criteria: Sema4 Curation Guidelines. Collection method: curation. Allele origin: germline.

Ambry Genetics
Classification: Likely benign for Hereditary cancer-predisposing syndrome. Last evaluated: 2016-01-13. Review status: criteria provided, single submitter. Criteria: Ambry Variant Classification Scheme 2023. Collection method: clinical testing. Allele origin: germline.